The following is an entry in ClinVar:

NM_000179.3(MSH6):c.56A>G (p.Asp19Gly)

Gene: MSH6 (mutS homolog 6; plus strand). Cytogenetic location: 2p16.3.
Variant type: single nucleotide variant.
Coding change: c.56A>G on transcript NM_000179.3 (MANE Select); coding-DNA position 56, A replaced by G.
Protein change: p.Asp19Gly; replaces aspartic acid 19 with glycine.
Molecular consequence: missense variant. On other transcripts: 5 prime UTR variant (1).
Genome position (GRCh38, 1-based): chr2:47,783,289, A>G. VCF-style: chr2-47783289-A-G. GRCh37 (hg19) VCF-style: chr2-48010428-A-G.
Other names: c.56A>G, p.Asp19Gly (NM_001281492.2); c.-681A>G (NM_001281493.2); short protein forms D19G.
Identifiers: ClinVar variation 455332 (VCV000455332.9), dbSNP rs1553408133, ClinGen allele CA346734560.

ClinVar aggregate classification (germline): Uncertain significance (1 of 4 stars; one submission).

Conditions:
Hereditary nonpolyposis colorectal neoplasms. Identifiers: MedGen C0009405, MeSH D003123.

Submission:

Labcorp Genetics (formerly Invitae), Labcorp
Classification: Uncertain significance for Hereditary nonpolyposis colorectal neoplasms. Last evaluated: 2017-06-17. Review status: criteria provided, single submitter. Criteria: Invitae Variant Classification Sherloc (09022015). Collection method: clinical testing. Allele origin: germline.
Comment: Algorithms developed to predict the effect of missense changes on protein structure and function (SIFT, PolyPhen-2, Align-GVGD) all suggest that this variant is likely to be tolerated, but these predictions have not been confirmed by published functional studies and their clinical significance is uncertain. This variant has not been reported in the literature in individuals with a MSH6-related disease. This variant is not present in population databases (ExAC no frequency). This sequence change replaces aspartic acid with glycine at codon 19 of the MSH6 protein (p.Asp19Gly). The aspartic acid residue is weakly conserved and there is a moderate physicochemical difference between aspartic acid and glycine. In summary, this variant has uncertain impact on MSH6 function. The available evidence is currently insufficient to determine its role in disease. Therefore, it has been classified as a Variant of Uncertain Significance.